The following is an entry in ClinVar:

ClinVar aggregate classification (germline): Uncertain significance. Review status: criteria provided, multiple submitters, no conflicts (2 of 4 stars). 2 submissions from 2 submitters: Uncertain significance (2). Last evaluated 2024-01-04.

Allele frequency attached by ClinVar (database versions not stated): ExAC 0.00004; gnomAD 0.00015; TOPMed 0.00018.
gnomAD v4.1: 41 of 1,585,048 alleles (0.0026%); highest among the groups gnomAD compares: African/African-American, 0.051%; no homozygotes.

Submissions (2):

Ambry Genetics
Classification: Uncertain significance. Last evaluated: 2024-01-04. Review status: criteria provided, single submitter. Criteria: Ambry Variant Classification Scheme 2023. Collection method: clinical testing. Allele origin: germline.

Labcorp Genetics (formerly Invitae), Labcorp
Classification: Uncertain significance. Last evaluated: 2023-01-06. Review status: criteria provided, single submitter. Criteria: Invitae Variant Classification Sherloc (09022015). Collection method: clinical testing. Allele origin: germline.
Comment: This sequence change replaces valine, which is neutral and non-polar, with leucine, which is neutral and non-polar, at codon 37 of the AGAP1 protein (p.Val37Leu). In summary, the available evidence is currently insufficient to determine the role of this variant in disease. Therefore, it has been classified as a Variant of Uncertain Significance. Algorithms developed to predict the effect of missense changes on protein structure and function are either unavailable or do not agree on the potential impact of this missense change (SIFT: "Deleterious"; PolyPhen-2: "Benign"; Align-GVGD: "Class C0"). This variant has not been reported in the literature in individuals affected with AGAP1-related conditions. This variant is present in population databases (rs745570362, gnomAD 0.05%).

NM_001037131.3(AGAP1):c.109G>T (p.Val37Leu)

Gene: AGAP1 (ArfGAP with GTPase domain, ankyrin repeat and PH domain 1; plus strand). Cytogenetic location: 2q37.2.
Variant type: single nucleotide variant.
Coding change: c.109G>T on transcript NM_001037131.3 (MANE Select); coding-DNA position 109, G replaced by T.
Protein change: p.Val37Leu; replaces valine 37 with leucine.
Molecular consequence: missense variant.
Genome position (GRCh38, 1-based): chr2:235,494,795, G>T. VCF-style: chr2-235494795-G-T. GRCh37 (hg19) VCF-style: chr2-236403439-G-T.
Other names: c.109G>T, p.Val37Leu (NM_001244888.2, NM_001412122.1, NM_014914.5); c.109G>T (NM_001037131.2); short protein forms V37L.
Identifiers: ClinVar variation 2720785 (VCV002720785.4), dbSNP rs745570362, ClinGen allele CA2184147.
Genomic context (GRCh38, chr2:235,494,795, plus strand): 5'-ATCCAGCGCTTCGAGTCGGTCCACCCCAACATCTACTCCATCTACGAGCTGCTGGAGCGC[G>T]TGGAGGAGCCGGTGCTGCAGAACCAGATCCGGGAGCACGTCATCGCCATCGAAGGTGAGG-3'
Protein context (NP_001032208.1, residues 27-47): IYSIYELLER[Val37Leu]EEPVLQNQIR